The following is an entry in ClinVar:

NM_001365276.2(TNXB):c.8749G>A (p.Gly2917Ser)

Gene: TNXB (tenascin XB; minus strand). Cytogenetic location: 6p21.33.
Variant type: single nucleotide variant.
Coding change: c.8749G>A on transcript NM_001365276.2 (MANE Select); coding-DNA position 8749, G replaced by A.
Protein change: p.Gly2917Ser; replaces glycine 2917 with serine.
Molecular consequence: missense variant.
Genome position (GRCh38, 1-based): chr6:32,053,430, C>T on the plus strand (G>A on the coding strand, the complement: TNXB is on the minus strand). VCF-style: chr6-32053430-C-T. GRCh37 (hg19) VCF-style: chr6-32021207-C-T.
Other names: c.8743G>A, p.Gly2915Ser (NM_019105.8); short protein forms G2917S, G2915S.
Identifiers: ClinVar variation 1764517 (VCV001764517.3), dbSNP rs61744592, ClinGen allele CA3733759.
Genomic context (GRCh38, chr6:32,053,430, plus strand): 5'-CTCCCATCGTACACTCACCTGTCACCCCAATGACAGAGATGGGGCCCACGCGCTGGCCAC[C>T]GTGGAAGCCGTACAGGTTCATCTTGTACTTGTGGTCTGGCTCCAGGCCTGAGATGGTGAC-3'
Protein context (NP_001352205.1, residues 2907-2927): KYKMNLYGFH[Gly2917Ser]GQRVGPISVI

ClinVar aggregate classification (germline): Uncertain significance. Review status: criteria provided, multiple submitters, no conflicts (2 of 4 stars). 2 submissions from 2 submitters: Uncertain significance (2). Last evaluated 2025-11-18.

Conditions:
Cardiovascular phenotype. Identifiers: MedGen CN230736.

Allele frequency attached by ClinVar (database versions not stated): gnomAD exomes 0.00008.
gnomAD v4.1: 132 of 1,612,932 alleles (0.0082%); highest among the groups gnomAD compares: Non-Finnish European, 0.0098%; no homozygotes.

Submissions (2):

Women's Health and Genetics/Laboratory Corporation of America, LabCorp
Classification: Uncertain significance. Last evaluated: 2025-11-18. Review status: criteria provided, single submitter. Criteria: LabCorp Variant Classification Summary - May 2015. Collection method: clinical testing. Allele origin: germline.
Comment: Variant summary: TNXB c.8743G>A (p.Gly2915Ser) results in a non-conservative amino acid change in the encoded protein sequence. Algorithms developed to predict the effect of missense changes on protein structure and function are either unavailable or do not agree on the potential impact of this missense change. The variant allele was found at a frequency of 4.9e-05 in 245304 control chromosomes. This frequency is not significantly higher than estimated for disease-causing variants in TNXB, allowing no conclusion about variant significance. To our knowledge, no occurrence of c.8743G>A in individuals affected with TNXB-related conditions and no experimental evidence demonstrating its impact on protein function have been reported. ClinVar contains an entry for this variant (Variation ID: 1764517). Based on the evidence outlined above, the variant was classified as uncertain significance.

Ambry Genetics
Classification: Uncertain significance for Cardiovascular phenotype. Last evaluated: 2022-09-26. Review status: criteria provided, single submitter. Criteria: Ambry Variant Classification Scheme 2023. Collection method: clinical testing. Allele origin: germline.
Comment: The p.G2915S variant (also known as c.8743G>A), located in coding exon 24 of the TNXB gene, results from a G to A substitution at nucleotide position 8743. The glycine at codon 2915 is replaced by serine, an amino acid with similar properties. This amino acid position is conserved. In addition, this alteration is predicted to be tolerated by in silico analysis. Since supporting evidence is limited at this time, the clinical significance of this alteration remains unclear.